The following is an entry in ClinVar:

NM_001374736.1(DST):c.13042A>C (p.Arg4348=)

Gene: DST (dystonin; minus strand). Cytogenetic location: 6p12.1.
Variant type: single nucleotide variant.
Coding change: c.13042A>C on transcript NM_001374736.1 (MANE Select); coding-DNA position 13042, A replaced by C.
Protein change: p.Arg4348=; no amino-acid change (arginine 4348 retained).
Molecular consequence: synonymous variant.
Genome position (GRCh38, 1-based): chr6:56,573,873, T>G on the plus strand (A>C on the coding strand, the complement: DST is on the minus strand). VCF-style: chr6-56573873-T-G. GRCh37 (hg19) VCF-style: chr6-56438671-T-G.
Other names: c.6685A>C, p.Arg2229= (NM_001144769.5); c.6271A>C, p.Arg2091= (NM_001144770.2); c.13042A>C, p.Arg4348= (NM_001374722.1); c.12409A>C, p.Arg4137= (NM_001374729.1); c.6151A>C, p.Arg2051= (NM_001374730.1, NM_001386100.1, NM_183380.4); c.13069A>C, p.Arg4357= (NM_001374734.1); c.5173A>C, p.Arg1725= (NM_015548.5).
Identifiers: ClinVar variation 2112082 (VCV002112082.4), dbSNP rs748599404, ClinGen allele CA3868294.

ClinVar aggregate classification (germline): Uncertain significance (1 of 4 stars; one submission).

Conditions:
Hereditary sensory and autonomic neuropathy type 6. Also called: HSAN VI; Neuropathy, hereditary sensory and autonomic, type VI. Identifiers: Orphanet 314381, MedGen C3539003, MONDO:0013839, OMIM 614653.
Epidermolysis bullosa simplex 3, localized or generalized intermediate, with BP230 deficiency (EBS3). Also called: Epidermolysis bullosa simplex, autosomal recessive 2; Epidermolysis bullosa simplex due to BP230 deficiency. Identifiers: Orphanet 412181, MedGen C3809470, MONDO:0014180, OMIM 615425.

Allele frequency attached by ClinVar (database versions not stated): gnomAD exomes below 0.00001; ExAC 0.00001.
gnomAD v4.1: 5 of 1,612,402 alleles (0.00031%); highest among the groups gnomAD compares: Non-Finnish European, 0.00042%; no homozygotes.

Submission:

Labcorp Genetics (formerly Invitae), Labcorp
Classification: Uncertain significance for Epidermolysis bullosa simplex 3, localized or generalized intermediate, with BP230 deficiency; Hereditary sensory and autonomic neuropathy type 6. Last evaluated: 2022-03-14. Review status: criteria provided, single submitter. Criteria: Invitae Variant Classification Sherloc (09022015). Collection method: clinical testing. Allele origin: germline.
Comment: The DST gene has multiple clinically relevant transcripts. This variant occurs in alternate transcript NM_015548.4, and corresponds to NM_001723.5:c.*41644A>C in the primary transcript. In summary, the available evidence is currently insufficient to determine the role of this variant in disease. Therefore, it has been classified as a Variant of Uncertain Significance. Experimental studies and prediction algorithms are not available or were not evaluated, and the effect of this variant on mRNA splicing is currently unknown. This variant has not been reported in the literature in individuals affected with DST-related conditions. This variant is present in population databases (rs748599404, gnomAD 0.0009%). This sequence change affects codon 1725 of the DST mRNA. It is a 'silent' change, meaning that it does not change the encoded amino acid sequence of the DST protein.